The following is an entry in ClinVar:

NM_006885.4(ZFHX3):c.1114C>T (p.Arg372Ter)

Gene: ZFHX3 (zinc finger homeobox 3; minus strand). Cytogenetic location: 16q22.3.
Variant type: single nucleotide variant.
Coding change: c.1114C>T on transcript NM_006885.4 (MANE Select); coding-DNA position 1114, C replaced by T.
Protein change: p.Arg372Ter; replaces arginine 372 with a stop codon.
Molecular consequence: nonsense. On other transcripts: intron variant (1).
Genome position (GRCh38, 1-based): chr16:72,959,032, G>A on the plus strand (C>T on the coding strand, the complement: ZFHX3 is on the minus strand). VCF-style: chr16-72959032-G-A. GRCh37 (hg19) VCF-style: chr16-72992931-G-A.
Other names: c.1114C>T, p.Arg372Ter (NM_001386735.1); c.-23-8067C>T (NM_001164766.2); short protein forms R372*.
Identifiers: ClinVar variation 3340720 (VCV003340720.2).
Genomic context (GRCh38, chr16:72,959,032, plus strand): 5'-CCTGGGGCTGCTCGGGGCCAGCGGCGGAGCCCGCTGGGAGAGCTTCCTCCCCTTCCATTC[G>A]AATGCCACTAAATTTACCATAAAAACTGTGTCCGGGGCCTATGAGGTTAGCTGTGGAAAC-3'

ClinVar aggregate classification (germline): Pathogenic (1 of 4 stars; one submission).

Submission:

GeneDx
Classification: Pathogenic. Last evaluated: 2026-07-11. Review status: criteria provided, single submitter. Criteria: GeneDx Variant Classification Process June 2021. Collection method: clinical testing. Allele origin: germline.
Comment: Nonsense variant predicted to result in protein truncation or nonsense mediated decay in a gene for which loss of function is a known mechanism of disease; Not observed at significant frequency in large population cohorts (gnomAD); Has not been previously published as pathogenic or benign to our knowledge